The following is an entry in ClinVar:

ClinVar aggregate classification (germline): Pathogenic (1 of 4 stars; one submission).

Submission:

Labcorp Genetics (formerly Invitae), Labcorp
Classification: Pathogenic. Last evaluated: 2022-08-09. Review status: criteria provided, single submitter. Criteria: Invitae Variant Classification Sherloc (09022015). Collection method: clinical testing. Allele origin: germline.
Comment: For these reasons, this variant has been classified as Pathogenic. Advanced modeling of protein sequence and biophysical properties (such as structural, functional, and spatial information, amino acid conservation, physicochemical variation, residue mobility, and thermodynamic stability) performed at Invitae indicates that this missense variant is expected to disrupt AFG3L2 protein function. This missense change has been observed in individual(s) with clinical features of autosomal dominant spinocerebellar ataxia (Invitae). In at least one individual the variant was observed to be de novo. This variant is not present in population databases (gnomAD no frequency). This sequence change replaces glycine, which is neutral and non-polar, with arginine, which is basic and polar, at codon 665 of the AFG3L2 protein (p.Gly665Arg).

NM_006796.3(AFG3L2):c.1993G>C (p.Gly665Arg)

Gene: AFG3L2 (AFG3 like matrix AAA peptidase subunit 2; minus strand). Cytogenetic location: 18p11.21.
Variant type: single nucleotide variant.
Coding change: c.1993G>C on transcript NM_006796.3 (MANE Select); coding-DNA position 1993, G replaced by C.
Protein change: p.Gly665Arg; replaces glycine 665 with arginine.
Molecular consequence: missense variant.
Genome position (GRCh38, 1-based): chr18:12,337,523, C>G on the plus strand (G>C on the coding strand, the complement: AFG3L2 is on the minus strand). VCF-style: chr18-12337523-C-G. GRCh37 (hg19) VCF-style: chr18-12337522-C-G.
Other names: short protein forms G665R.
Identifiers: ClinVar variation 2014169 (VCV002014169.4), dbSNP rs2510220593, ClinGen allele CA401944393.